The following is an entry in ClinVar:

NM_006348.5(COG5):c.47G>A (p.Arg16Gln)

Gene: COG5 (component of oligomeric golgi complex 5; minus strand). Cytogenetic location: 7q22.3.
Variant type: single nucleotide variant.
Coding change: c.47G>A on transcript NM_006348.5 (MANE Select); coding-DNA position 47, G replaced by A.
Protein change: p.Arg16Gln; replaces arginine 16 with glutamine.
Molecular consequence: missense variant.
Genome position (GRCh38, 1-based): chr7:107,563,850, C>T on the plus strand (G>A on the coding strand, the complement: COG5 is on the minus strand). VCF-style: chr7-107563850-C-T. GRCh37 (hg19) VCF-style: chr7-107204295-C-T.
Other names: c.47G>A, p.Arg16Gln (NM_001161520.2, NM_001379511.1, NM_001379512.1 and 5 more transcripts); short protein forms R16Q.
Identifiers: ClinVar variation 1063628 (VCV001063628.7), dbSNP rs781711867, ClinGen allele CA4431573.

ClinVar aggregate classification (germline): Uncertain significance (1 of 4 stars; one submission).

Conditions:
COG5-congenital disorder of glycosylation. Also called: CDG IIi; COG5-CDG; CONGENITAL DISORDER OF GLYCOSYLATION, TYPE IIi. Identifiers: Orphanet 263487, MedGen C3150876, MONDO:0013325, OMIM 613612.

gnomAD v4.1: 5 of 1,613,732 alleles (0.00031%); highest among the groups gnomAD compares: Non-Finnish European, 0.00017%; no homozygotes.

Submission:

Labcorp Genetics (formerly Invitae), Labcorp
Classification: Uncertain significance for COG5-congenital disorder of glycosylation. Last evaluated: 2025-03-03. Review status: criteria provided, single submitter. Criteria: Invitae Variant Classification Sherloc (09022015). Collection method: clinical testing. Allele origin: germline.
Comment: This sequence change replaces arginine, which is basic and polar, with glutamine, which is neutral and polar, at codon 47 of the COG5 protein (p.Arg47Gln). This variant is present in population databases (rs781711867, gnomAD 0.006%). This variant has not been reported in the literature in individuals affected with COG5-related conditions. ClinVar contains an entry for this variant (Variation ID: 1063628). An algorithm developed to predict the effect of missense changes on protein structure and function (PolyPhen-2) suggests that this variant is likely to be tolerated. In summary, the available evidence is currently insufficient to determine the role of this variant in disease. Therefore, it has been classified as a Variant of Uncertain Significance.